The following is an entry in ClinVar:

ClinVar aggregate classification (germline): Uncertain significance (1 of 4 stars; one submission).

Conditions:
Progressive microcephaly-seizures-cortical blindness-developmental delay syndrome. Also called: Seizures, cortical blindness, and microcephaly syndrome. Identifiers: Orphanet 477814, MedGen C5567650, MONDO:0014714, OMIM 616632.
Autosomal dominant nonsyndromic hearing loss 1. Also called: DEAFNESS, AUTOSOMAL DOMINANT 1, WITH OR WITHOUT THROMBOCYTOPENIA; KONIGSMARK SYNDROME. Identifiers: Orphanet 90635, MedGen C1852282, MONDO:0007424, OMIM 124900.

Submission:

Labcorp Genetics (formerly Invitae), Labcorp
Classification: Uncertain significance for Progressive microcephaly-seizures-cortical blindness-developmental delay syndrome; Autosomal dominant nonsyndromic hearing loss 1. Last evaluated: 2020-02-24. Review status: criteria provided, single submitter. Criteria: Invitae Variant Classification Sherloc (09022015). Collection method: clinical testing. Allele origin: germline.
Comment: This sequence change replaces methionine with isoleucine at codon 1106 of the DIAPH1 protein (p.Met1106Ile). The methionine residue is moderately conserved and there is a small physicochemical difference between methionine and isoleucine. This variant is not present in population databases (ExAC no frequency). This variant has not been reported in the literature in individuals with DIAPH1-related disease. Algorithms developed to predict the effect of missense changes on protein structure and function (SIFT, PolyPhen-2, Align-GVGD) all suggest that this variant is likely to be tolerated, but these predictions have not been confirmed by published functional studies and their clinical significance is uncertain. In summary, the available evidence is currently insufficient to determine the role of this variant in disease. Therefore, it has been classified as a Variant of Uncertain Significance.

NM_005219.5(DIAPH1):c.3318G>A (p.Met1106Ile)

Gene: DIAPH1 (diaphanous related formin 1; minus strand). Cytogenetic location: 5q31.3.
Variant type: single nucleotide variant.
Coding change: c.3318G>A on transcript NM_005219.5 (MANE Select); coding-DNA position 3318, G replaced by A.
Protein change: p.Met1106Ile; replaces methionine 1106 with isoleucine.
Molecular consequence: missense variant.
Genome position (GRCh38, 1-based): chr5:141,526,417, C>T on the plus strand (G>A on the coding strand, the complement: DIAPH1 is on the minus strand). VCF-style: chr5-141526417-C-T. GRCh37 (hg19) VCF-style: chr5-140905984-C-T.
Other names: c.3291G>A, p.Met1097Ile (NM_001079812.3); c.3318G>A, p.Met1106Ile (NM_001314007.2); short protein forms M1097I, M1106I.
Identifiers: ClinVar variation 646075 (VCV000646075.11), dbSNP rs1596337513, ClinGen allele CA361579080.